The following is an entry in ClinVar:

NM_004629.2(FANCG):c.542_556del (p.Leu181_Ser185del)

Gene: FANCG (FA complementation group G; minus strand). Cytogenetic location: 9p13.3.
Variant type: Deletion.
Coding change: c.542_556del on transcript NM_004629.2 (MANE Select); coding-DNA positions 542 to 556, 15 bases deleted (TGAAAACTTGGAGTC).
Protein change: p.Leu181_Ser185del.
Molecular consequence: inframe deletion.
Genome position (GRCh38, 1-based): chr9:35,077,354-35,077,368, GACTCCAAGTTTTCA deleted on the plus strand (TGAAAACTTGGAGTC on the coding strand, the reverse complement: FANCG is on the minus strand); deleting any 15 consecutive bases within chr9:35,077,354-35,077,370 gives the same sequence; the c. name uses the placement nearest the transcript's 3' end. VCF-style (leftmost placement, unchanged base first): chr9-35077353-GGACTCCAAGTTTTCA-G. GRCh37 (hg19) VCF-style: chr9-35077350-GGACTCCAAGTTTTCA-G.
Identifiers: ClinVar variation 2200960 (VCV002200960.4), dbSNP rs2490404640, ClinGen allele CA2580080498.

ClinVar aggregate classification (germline): Uncertain significance (1 of 4 stars; one submission).

Conditions:
Fanconi anemia (FA). Also called: Fanconi's anemia. Identifiers: Orphanet 84, MedGen C0015625, MeSH D005199, MONDO:0019391.

Submission:

Labcorp Genetics (formerly Invitae), Labcorp
Classification: Uncertain significance for Fanconi anemia. Last evaluated: 2022-07-20. Review status: criteria provided, single submitter. Criteria: Invitae Variant Classification Sherloc (09022015). Collection method: clinical testing. Allele origin: germline.
Comment: In summary, the available evidence is currently insufficient to determine the role of this variant in disease. Therefore, it has been classified as a Variant of Uncertain Significance. This variant, c.542_556del, results in the deletion of 5 amino acid(s) of the FANCG protein (p.Leu181_Ser185del), but otherwise preserves the integrity of the reading frame. This variant is not present in population databases (gnomAD no frequency). This variant has not been reported in the literature in individuals affected with FANCG-related conditions. Algorithms developed to predict the effect of sequence changes on RNA splicing suggest that this variant may create or strengthen a splice site.